The following is an entry in ClinVar:

NM_024006.6(VKORC1):c.352G>C (p.Val118Leu)

Gene: VKORC1 (vitamin K epoxide reductase complex subunit 1; minus strand). Cytogenetic location: 16p11.2.
Variant type: single nucleotide variant.
Coding change: c.352G>C on transcript NM_024006.6 (MANE Select); coding-DNA position 352, G replaced by C.
Protein change: p.Val118Leu; replaces valine 118 with leucine.
Molecular consequence: missense variant.
Genome position (GRCh38, 1-based): chr16:31,091,274, C>G on the plus strand (G>C on the coding strand, the complement: VKORC1 is on the minus strand). VCF-style: chr16-31091274-C-G. GRCh37 (hg19) VCF-style: chr16-31102595-C-G.
Other names: c.436G>C, p.Val146Leu (NM_001311311.2); c.242G>C, p.Cys81Ser (NM_206824.3); short protein forms V118L, C81S, V146L.
Identifiers: ClinVar variation 887598 (VCV000887598.4), dbSNP rs753570105, ClinGen allele CA8021130.

ClinVar aggregate classification (germline): Likely benign (1 of 4 stars; one submission).

Conditions:
Vitamin K-dependent clotting factors, combined deficiency of, type 2. Identifiers: Orphanet 98434, MedGen C1843832, MONDO:0011837, OMIM 607473.

Allele frequency attached by ClinVar (database versions not stated): TOPMed 0.00028; ExAC 0.00033; gnomAD exomes 0.00036.
gnomAD v4.1: 141 of 1,614,170 alleles (0.0087%); highest among the groups gnomAD compares: East Asian, 0.2%; no homozygotes.

Submission:

Illumina Laboratory Services, Illumina
Classification: Likely benign for Vitamin K-dependent clotting factors, combined deficiency of, type 2. Last evaluated: 2018-01-12. Review status: criteria provided, single submitter. Criteria: ICSL Variant Classification Criteria 13 December 2019. Collection method: clinical testing. Allele origin: germline.
Comment: This variant was observed in the ICSL laboratory as part of a predisposition screen in an ostensibly healthy population. It had not been previously curated by ICSL or reported in the Human Gene Mutation Database (HGMD: prior to June 1st, 2018), and was therefore a candidate for classification through an automated scoring system. Utilizing variant allele frequency, disease prevalence and penetrance estimates, and inheritance mode, an automated score was calculated to assess if this variant is too frequent to cause the disease. Based on the score and internal cut-off values, a variant classified as likely benign is not then subjected to further curation. The score for this variant resulted in a classification of likely benign for this disease.